The following is an entry in ClinVar:

ClinVar aggregate classification (germline): Uncertain significance (1 of 4 stars; one submission).

Submission:

Ambry Genetics
Classification: Uncertain significance. Last evaluated: 2021-11-03. Review status: criteria provided, single submitter. Criteria: Ambry Variant Classification Scheme 2023. Collection method: clinical testing. Allele origin: germline.
Comment: The p.P1756S variant (also known as c.5266C>T), located in coding exon 40 of the PRKDC gene, results from a C to T substitution at nucleotide position 5266. The proline at codon 1756 is replaced by serine, an amino acid with similar properties. This amino acid position is conserved. In addition, this alteration is predicted to be deleterious by in silico analysis. Since supporting evidence is limited at this time, the clinical significance of this alteration remains unclear.

NM_006904.7(PRKDC):c.5266C>T (p.Pro1756Ser)

Gene: PRKDC (protein kinase, DNA-activated, catalytic subunit; minus strand). Cytogenetic location: 8q11.21.
Variant type: single nucleotide variant.
Coding change: c.5266C>T on transcript NM_006904.7 (MANE Select); coding-DNA position 5266, C replaced by T.
Protein change: p.Pro1756Ser; replaces proline 1756 with serine.
Molecular consequence: missense variant.
Genome position (GRCh38, 1-based): chr8:47,877,821, G>A on the plus strand (C>T on the coding strand, the complement: PRKDC is on the minus strand). VCF-style: chr8-47877821-G-A. GRCh37 (hg19) VCF-style: chr8-48790382-G-A.
Other names: c.5266C>T, p.Pro1756Ser (NM_001081640.2); short protein forms P1756S.
Identifiers: ClinVar variation 1746465 (VCV001746465.2), dbSNP rs1209167076, ClinGen allele CA371137885.